The following is an entry in ClinVar:

NM_001453.3(FOXC1):c.566T>A (p.Leu189Gln)

Gene: FOXC1 (forkhead box C1; plus strand). Cytogenetic location: 6p25.3.
Variant type: single nucleotide variant.
Coding change: c.566T>A on transcript NM_001453.3 (MANE Select); coding-DNA position 566, T replaced by A.
Protein change: p.Leu189Gln; replaces leucine 189 with glutamine.
Molecular consequence: missense variant.
Genome position (GRCh38, 1-based): chr6:1,611,011, T>A. VCF-style: chr6-1611011-T-A. GRCh37 (hg19) VCF-style: chr6-1611246-T-A.
Other names: c.566T>A (NM_001453.2); short protein forms L189Q.
Identifiers: ClinVar variation 1509023 (VCV001509023.8), dbSNP rs1227876001, ClinGen allele CA362559109.

ClinVar aggregate classification (germline): Uncertain significance. Review status: criteria provided, multiple submitters, no conflicts (2 of 4 stars). 3 submissions from 3 submitters: Uncertain significance (3). Last evaluated 2026-05-06.

Conditions:
Axenfeld-Rieger syndrome type 3 (RIEG3). Also called: AXENFELD-RIEGER ANOMALY WITH CARDIAC DEFECTS AND/OR SENSORINEURAL HEARING LOSS. Identifiers: Orphanet 782, MedGen C2678503, MONDO:0011233, OMIM 602482.
Inborn genetic diseases. Identifiers: MedGen C0950123, MeSH D030342.

Allele frequency attached by ClinVar (database versions not stated): TOPMed 0.00001.
gnomAD v4.1: 1 of 1,604,846 alleles (0.000062%); highest among the groups gnomAD compares: Non-Finnish European, 0.000085%; no homozygotes.

Submissions (3):

Ambry Genetics
Classification: Uncertain significance for Inborn genetic diseases. Last evaluated: 2026-05-06. Review status: criteria provided, single submitter. Criteria: Ambry Variant Classification Scheme 2023. Collection method: clinical testing. Allele origin: germline.

Labcorp Genetics (formerly Invitae), Labcorp
Classification: Uncertain significance for Axenfeld-Rieger syndrome type 3. Last evaluated: 2025-02-24. Review status: criteria provided, single submitter. Criteria: Invitae Variant Classification Sherloc (09022015). Collection method: clinical testing. Allele origin: germline.
Comment: This sequence change replaces leucine, which is neutral and non-polar, with glutamine, which is neutral and polar, at codon 189 of the FOXC1 protein (p.Leu189Gln). This variant is not present in population databases (gnomAD no frequency). This variant has not been reported in the literature in individuals affected with FOXC1-related conditions. ClinVar contains an entry for this variant (Variation ID: 1509023). An algorithm developed to predict the effect of missense changes on protein structure and function (PolyPhen-2) suggests that this variant is likely to be tolerated. In summary, the available evidence is currently insufficient to determine the role of this variant in disease. Therefore, it has been classified as a Variant of Uncertain Significance.

Blueprint Genetics
Classification: Uncertain significance. Last evaluated: 2022-09-08. Review status: criteria provided, single submitter. Criteria: ACMG Guidelines, 2015. Collection method: clinical testing. Allele origin: germline.